The following is an entry in ClinVar:

ClinVar aggregate classification (germline): Uncertain significance (1 of 4 stars; one submission).

gnomAD v4.1: 19 of 1,207,900 alleles (0.0016%); highest among the groups gnomAD compares: Non-Finnish European, 0.002%; no homozygotes.

Submission:

Ambry Genetics
Classification: Uncertain significance. Last evaluated: 2026-06-17. Review status: criteria provided, single submitter. Criteria: Ambry Variant Classification Scheme 2023. Collection method: clinical testing. Allele origin: germline.
Comment: The c.4625C>T (p.T1542I) alteration is located in exon 6 (coding exon 3) of the ADGRG4 gene. This alteration results from a C to T substitution at nucleotide position 4625, causing the threonine (T) at amino acid position 1542 to be replaced by an isoleucine (I). Based on data from gnomAD, the T allele has an overall frequency of 0.002% (3/182195) total alleles studied. The highest observed frequency was 0.004% (3/81274) of European (non-Finnish) alleles. Based on insufficient or conflicting evidence, the clinical significance of this alteration remains unclear.

NM_153834.4(ADGRG4):c.4625C>T (p.Thr1542Ile)

Gene: ADGRG4 (adhesion G protein-coupled receptor G4; plus strand). Cytogenetic location: Xq26.3.
Variant type: single nucleotide variant.
Coding change: c.4625C>T on transcript NM_153834.4 (MANE Select); coding-DNA position 4625, C replaced by T.
Protein change: p.Thr1542Ile; replaces threonine 1542 with isoleucine.
Molecular consequence: missense variant.
Genome position (GRCh38, 1-based): chrX:136,348,331, C>T. VCF-style: chrX-136348331-C-T. GRCh37 (hg19) VCF-style: chrX-135430490-C-T.
Other names: short protein forms T1542I.
Identifiers: ClinVar variation 5033039 (VCV005033039.1).